The following is an entry in ClinVar:

NM_017780.4(CHD7):c.827C>T (p.Ser276Phe)

Gene: CHD7 (chromodomain helicase DNA binding protein 7; plus strand). Cytogenetic location: 8q12.2.
Variant type: single nucleotide variant.
Coding change: c.827C>T on transcript NM_017780.4 (MANE Select); coding-DNA position 827, C replaced by T.
Protein change: p.Ser276Phe; replaces serine 276 with phenylalanine.
Molecular consequence: missense variant.
Genome position (GRCh38, 1-based): chr8:60,742,259, C>T. VCF-style: chr8-60742259-C-T. GRCh37 (hg19) VCF-style: chr8-61654818-C-T.
Other names: c.827C>T, p.Ser276Phe (NM_001316690.1); short protein forms S276F.
Identifiers: ClinVar variation 4780034 (VCV004780034.1).

ClinVar aggregate classification (germline): Uncertain significance (1 of 4 stars; one submission).

Conditions:
CHARGE syndrome (CHARGE). Also called: Hittner Hirsch Kreh syndrome; CHARGE ASSOCIATION--COLOBOMA, HEART ANOMALY, CHOANAL ATRESIA, RETARDATION, GENITAL AND EAR ANOMALIES; Coloboma, heart anomaly, choanal atresia, retardation, genital and ear anomalies; CHARGE association; Hall-Hittner syndrome. Identifiers: Orphanet 138, MedGen C0265354, MONDO:0008965.

Submission:

Labcorp Genetics (formerly Invitae), Labcorp
Classification: Uncertain significance for CHARGE syndrome. Last evaluated: 2025-11-25. Review status: criteria provided, single submitter. Criteria: Invitae Variant Classification Sherloc (09022015). Collection method: clinical testing. Allele origin: germline.
Comment: This sequence change replaces serine, which is neutral and polar, with phenylalanine, which is neutral and non-polar, at codon 276 of the CHD7 protein (p.Ser276Phe). This variant is not present in population databases (gnomAD no frequency). This variant has not been reported in the literature in individuals affected with CHD7-related conditions. Invitae Evidence Modeling of protein sequence and biophysical properties (such as structural, functional, and spatial information, amino acid conservation, physicochemical variation, residue mobility, and thermodynamic stability) indicates that this missense variant is not expected to disrupt CHD7 protein function with a negative predictive value of 95%. In summary, the available evidence is currently insufficient to determine the role of this variant in disease. Therefore, it has been classified as a Variant of Uncertain Significance.